The following is an entry in ClinVar:

ClinVar aggregate classification (germline): Uncertain significance (1 of 4 stars; one submission).

Conditions:
Oculofaciocardiodental syndrome (MCOPS2). Identifiers: Orphanet 2712, MedGen C1846265, MONDO:0010261, OMIM 300166.

gnomAD v4.1: 8 of 1,211,110 alleles (0.00066%); highest among the groups gnomAD compares: Admixed American, 0.0087%; no homozygotes.

Submission:

Labcorp Genetics (formerly Invitae), Labcorp
Classification: Uncertain significance for Oculofaciocardiodental syndrome. Last evaluated: 2025-07-23. Review status: criteria provided, single submitter. Criteria: Invitae Variant Classification Sherloc (09022015). Collection method: clinical testing. Allele origin: germline.
Comment: This sequence change replaces arginine, which is basic and polar, with glutamine, which is neutral and polar, at codon 1131 of the BCOR protein (p.Arg1131Gln). This variant is present in population databases (no rsID available, gnomAD 0.01%). This variant has not been reported in the literature in individuals affected with BCOR-related conditions. ClinVar contains an entry for this variant (Variation ID: 1384162). Invitae Evidence Modeling of protein sequence and biophysical properties (such as structural, functional, and spatial information, amino acid conservation, physicochemical variation, residue mobility, and thermodynamic stability) indicates that this missense variant is not expected to disrupt BCOR protein function with a negative predictive value of 80%. In summary, the available evidence is currently insufficient to determine the role of this variant in disease. Therefore, it has been classified as a Variant of Uncertain Significance.

NM_001123385.2(BCOR):c.3392G>A (p.Arg1131Gln)

Gene: BCOR (BCL6 corepressor; minus strand). Cytogenetic location: Xp11.4.
Variant type: single nucleotide variant.
Coding change: c.3392G>A on transcript NM_001123385.2 (MANE Select); coding-DNA position 3392, G replaced by A.
Protein change: p.Arg1131Gln; replaces arginine 1131 with glutamine.
Molecular consequence: missense variant.
Genome position (GRCh38, 1-based): chrX:40,064,446, C>T on the plus strand (G>A on the coding strand, the complement: BCOR is on the minus strand). VCF-style: chrX-40064446-C-T. GRCh37 (hg19) VCF-style: chrX-39923699-C-T.
Other names: c.3392G>A, p.Arg1131Gln (NM_001123383.2, NM_017745.6); c.3338G>A, p.Arg1113Gln (NM_001123384.2); short protein forms R1113Q, R1131Q.
Identifiers: ClinVar variation 1384162 (VCV001384162.6), dbSNP rs758883383, ClinGen allele CA327986157.